The following is an entry in ClinVar:

ClinVar aggregate classification (germline): Uncertain significance. Review status: criteria provided, multiple submitters, no conflicts (2 of 4 stars). 2 submissions from 2 submitters: Uncertain significance (2). Last evaluated 2024-10-31.

Conditions:
Biotin-responsive basal ganglia disease (BTBGD). Also called: Thiamine metabolism dysfunction syndrome 2 (biotin- or thiamine-responsive encephalopathy type 2); thiamine-responsive encephalopathy; THIAMINE METABOLISM DYSFUNCTION SYNDROME 2 (BIOTIN- AND THIAMINE-RESPONSIVE TYPE); Thiamine metabolism dysfunction syndrome type 2; Thiamine Transporter-2 Deficiency. Identifiers: Orphanet 199348, Orphanet 65284, MedGen C1843807, MONDO:0011841, OMIM 607483.

Allele frequency attached by ClinVar (database versions not stated): gnomAD 0.00001; TOPMed 0.00002.

Submissions (2):

Athena Diagnostics
Classification: Uncertain significance. Last evaluated: 2024-10-31. Review status: criteria provided, single submitter. Criteria: Athena Diagnostics Criteria. Collection method: clinical testing. Allele origin: unknown.
Comment: Available data are insufficient to determine the clinical significance of the variant at this time. The frequency of this variant in the general population is uninformative in assessment of its pathogenicity. Polyphen and MutationTaster predict this amino acid change may be damaging to the protein.

Labcorp Genetics (formerly Invitae), Labcorp
Classification: Uncertain significance for Biotin-responsive basal ganglia disease. Last evaluated: 2020-12-24. Review status: criteria provided, single submitter. Criteria: Invitae Variant Classification Sherloc (09022015). Collection method: clinical testing. Allele origin: germline.
Comment: This sequence change replaces methionine with isoleucine at codon 197 of the SLC19A3 protein (p.Met197Ile). The methionine residue is highly conserved and there is a small physicochemical difference between methionine and isoleucine. This variant is not present in population databases (ExAC no frequency). This variant has not been reported in the literature in individuals with SLC19A3-related conditions. Algorithms developed to predict the effect of missense changes on protein structure and function are either unavailable or do not agree on the potential impact of this missense change (SIFT: "Tolerated"; PolyPhen-2: "Possibly Damaging"; Align-GVGD: "Class C0"). In summary, the available evidence is currently insufficient to determine the role of this variant in disease. Therefore, it has been classified as a Variant of Uncertain Significance.

NM_025243.4(SLC19A3):c.591G>A (p.Met197Ile)

Gene: SLC19A3 (solute carrier family 19 member 3; minus strand). Cytogenetic location: 2q36.3.
Variant type: single nucleotide variant.
Coding change: c.591G>A on transcript NM_025243.4 (MANE Select); coding-DNA position 591, G replaced by A.
Protein change: p.Met197Ile; replaces methionine 197 with isoleucine.
Molecular consequence: missense variant.
Genome position (GRCh38, 1-based): chr2:227,699,124, C>T on the plus strand (G>A on the coding strand, the complement: SLC19A3 is on the minus strand). VCF-style: chr2-227699124-C-T. GRCh37 (hg19) VCF-style: chr2-228563840-C-T.
Other names: c.591G>A, p.Met197Ile (NM_001371411.1, NM_001371412.1); c.579G>A, p.Met193Ile (NM_001371413.1, NM_001371414.1); c.591G>A (NM_025243.3); short protein forms M197I, M193I.
Identifiers: ClinVar variation 1356840 (VCV001356840.9), dbSNP rs1035879074, ClinGen allele CA66660399.